The following is an entry in ClinVar:

NM_007294.4(BRCA1):c.2902C>T (p.Pro968Ser)

Gene: BRCA1 (BRCA1 DNA repair associated; minus strand). Cytogenetic location: 17q21.31.
Variant type: single nucleotide variant.
Coding change: c.2902C>T on transcript NM_007294.4 (MANE Select); coding-DNA position 2902, C replaced by T.
Protein change: p.Pro968Ser; replaces proline 968 with serine.
Molecular consequence: missense variant. On other transcripts: intron variant (137).
Genome position (GRCh38, 1-based): chr17:43,092,629, G>A on the plus strand (C>T on the coding strand, the complement: BRCA1 is on the minus strand). VCF-style: chr17-43092629-G-A. GRCh37 (hg19) VCF-style: chr17-41244646-G-A.
Other names: c.2566C>T, p.Pro856Ser (NM_001407955.1, NM_001407956.1, NM_001407958.1 and 1 more transcripts); c.2569C>T, p.Pro857Ser (NM_001407957.1, NM_001407946.1, NM_001407947.1 and 6 more transcripts); c.2521C>T, p.Pro841Ser (NM_001407960.1, NM_001407959.1, NM_001407963.1); c.2518C>T, p.Pro840Ser (NM_001407962.1); c.2758C>T, p.Pro920Ser (NM_001407964.1, NM_001407740.1, NM_001407741.1 and 20 more transcripts); c.2398C>T, p.Pro800Ser (NM_001407965.1); c.2014C>T, p.Pro672Ser (NM_001407966.1, NM_001407967.1); c.2761C>T, p.Pro921Ser (NM_007297.4, NM_001407692.1, NM_001407694.1 and 29 more transcripts); and 41 more; short protein forms P921S, P968S, P800S, P840S, P856S, P901S, P920S, P672S.
Identifiers: ClinVar variation 856943 (VCV000856943.20), dbSNP rs1182090591, ClinGen allele CA10596188.

ClinVar aggregate classification (germline): Conflicting classifications of pathogenicity. Review status: criteria provided, conflicting classifications (1 of 4 stars). 5 submissions from 5 submitters: Uncertain significance (3); Likely benign (2). Last evaluated 2025-04-24.

Conditions:
Hereditary cancer-predisposing syndrome. Also called: Tumor predisposition; Hereditary neoplastic syndrome; Neoplastic Syndromes, Hereditary; Hereditary Cancer Syndrome. Identifiers: Orphanet 140162, MedGen C0027672, MeSH D009386, MONDO:0015356.
Hereditary breast ovarian cancer syndrome. Also called: Breast and ovarian cancer; BRCA1- and BRCA2-Associated Hereditary Breast and Ovarian Cancer; Hereditary breast and ovarian cancer; Hereditary breast and ovarian cancer syndrome (HBOC); Hereditary breast and/or ovarian cancer syndrome; Hereditary breast and ovarian cancer syndrome. Identifiers: Orphanet 145, MedGen C0677776, MeSH D061325, MONDO:0003582. Disease mechanism: loss of function.

Allele frequency attached by ClinVar (database versions not stated): gnomAD exomes below 0.00001 and 0.00001.
gnomAD v4.1: 2 of 1,614,048 alleles (0.00012%); highest among the groups gnomAD compares: Admixed American, 0.0033%; no homozygotes.

Submissions (5):

Labcorp Genetics (formerly Invitae), Labcorp
Classification: Uncertain significance for Hereditary breast ovarian cancer syndrome. Last evaluated: 2025-04-24. Review status: criteria provided, single submitter. Criteria: Invitae Variant Classification Sherloc (09022015). Collection method: clinical testing. Allele origin: germline.
Comment: This sequence change replaces proline, which is neutral and non-polar, with serine, which is neutral and polar, at codon 968 of the BRCA1 protein (p.Pro968Ser). This variant is present in population databases (no rsID available, gnomAD 0.006%). This variant has not been reported in the literature in individuals affected with BRCA1-related conditions. ClinVar contains an entry for this variant (Variation ID: 856943). Invitae Evidence Modeling of protein sequence and biophysical properties (such as structural, functional, and spatial information, amino acid conservation, physicochemical variation, residue mobility, and thermodynamic stability) indicates that this missense variant is not expected to disrupt BRCA1 protein function with a negative predictive value of 80%. In summary, the available evidence is currently insufficient to determine the role of this variant in disease. Therefore, it has been classified as a Variant of Uncertain Significance.

Center for Genomic Medicine, Rigshospitalet, Copenhagen University Hospital
Classification: Likely benign. Last evaluated: 2025-03-04. Review status: criteria provided, single submitter. Criteria: ACMG Guidelines, 2015. Collection method: clinical testing. Allele origin: germline.

Color Diagnostics, LLC DBA Color Health
Classification: Uncertain significance for Hereditary cancer-predisposing syndrome. Last evaluated: 2024-12-17. Review status: criteria provided, single submitter. Criteria: ACMG Guidelines, 2015. Collection method: clinical testing. Allele origin: germline.
Comment: This missense variant replaces proline with serine at codon 968 of the BRCA1 protein. Computational prediction suggests that this variant may not impact protein structure and function. To our knowledge, functional studies have not been reported for this variant. This variant has been detected in a breast cancer case-control meta-analysis in 1/60466 cases and 0/53461 unaffected individuals (PMID: 33471991; Leiden Open Variation Database DB-ID BRCA1_006378). This variant has been identified in 2/251358 chromosomes in the general population by the Genome Aggregation Database (gnomAD). The available evidence is insufficient to determine the role of this variant in disease conclusively. Therefore, this variant is classified as a Variant of Uncertain Significance.

University of Washington Department of Laboratory Medicine, University of Washington
Classification: Likely benign for Hereditary cancer-predisposing syndrome. Last evaluated: 2023-03-23. Review status: criteria provided, single submitter. Criteria: Dines et al. (Genet Med. 2020). Collection method: curation. Allele origin: germline.
Comment: Missense variant in a coldspot region where missense variants are very unlikely to be pathogenic (PMID:31911673).

BRCA1 coldspot (exon 11 using historical exon numbering). Reclassification based on statistical prior probability

Ambry Genetics
Classification: Uncertain significance for Hereditary cancer-predisposing syndrome. Last evaluated: 2022-12-02. Review status: criteria provided, single submitter. Criteria: Ambry Variant Classification Scheme 2023. Collection method: clinical testing. Allele origin: germline.
Comment: The p.P968S variant (also known as c.2902C>T), located in coding exon 9 of the BRCA1 gene, results from a C to T substitution at nucleotide position 2902. The proline at codon 968 is replaced by serine, an amino acid with similar properties. This amino acid position is poorly conserved in available vertebrate species. In addition, this alteration is predicted to be tolerated by in silico analysis. Since supporting evidence is limited at this time, the clinical significance of this alteration remains unclear.

Literature cited by the submitters: PubMed 33471991 (cited by Color Diagnostics, LLC DBA Color Health).